The following is an entry in ClinVar:

ClinVar aggregate classification (germline): Likely pathogenic (1 of 4 stars; one submission).

Conditions:
Progressive sclerosing poliodystrophy (MTDPS4A). Also called: Alpers-Huttenlocher Syndrome (AHS); Alpers Syndrome; ALPERS PROGRESSIVE INFANTILE POLIODYSTROPHY; Mitochondrial DNA depletion syndrome 4A (Alpers type); ALPERS DIFFUSE DEGENERATION OF CEREBRAL GRAY MATTER WITH HEPATIC CIRRHOSIS; Alpers-Huttenlocher Syndrome. Identifiers: Orphanet 726, MedGen C0205710, MONDO:0008758, OMIM 203700.

Allele frequency attached by ClinVar (database versions not stated): TOPMed below 0.00001; gnomAD 0.00001.
gnomAD v4.1: 1 of 1,614,156 alleles (0.000062%); highest among the groups gnomAD compares: African/African-American, 0.0013%; no homozygotes.

Submission:

Wong Mito Lab, Molecular and Human Genetics, Baylor College of Medicine
Classification: Likely pathogenic for Progressive sclerosing poliodystrophy. Last evaluated: 2018-10-01. Review status: criteria provided, single submitter. Criteria: ACMG Guidelines, 2015. Collection method: clinical testing. Allele origin: germline.
Comment: The NM_002693.2:c.2698G>A (NP_002684.1:p.Ala900Thr) [GRCH38: NC_000015.10:g.89321161C>T] variant in POLG gene is interpretated to be a Likely Pathogenic based on ACMG guidelines (PMID: 25741868). This variant meets the following evidence codes reported in the ACMG-guideline. PM1:This variant is in mutational hot spot or a well-studied functional domain without benign variation. PM2:This variant is absent in key population databases. PP1:This variant is co-segregated with Mitochondrial DNA depletion syndrome 4A (Alpers type) in multiple affected family members. PP2:This is a missense variant in POLG with a low rate of benign and high rate of pathogenic missense variations. PP3:Computational evidence/predictors indicate the variant has deleterious effect on POLG structure, function, or protein-protein interaction. Based on the evidence criteria codes applied, the variant is suggested to be Likely Pathogenic.

NM_002693.3(POLG):c.2698G>A (p.Ala900Thr)

Gene: POLG (DNA polymerase gamma, catalytic subunit; minus strand). Cytogenetic location: 15q26.1.
Variant type: single nucleotide variant.
Coding change: c.2698G>A on transcript NM_002693.3 (MANE Select); coding-DNA position 2698, G replaced by A.
Protein change: p.Ala900Thr; replaces alanine 900 with threonine.
Molecular consequence: missense variant.
Genome position (GRCh38, 1-based): chr15:89,321,161, C>T on the plus strand (G>A on the coding strand, the complement: POLG is on the minus strand). VCF-style: chr15-89321161-C-T. GRCh37 (hg19) VCF-style: chr15-89864392-C-T.
Other names: c.2698G>A, p.Ala900Thr (NM_001126131.2); short protein forms A900T.
Identifiers: ClinVar variation 619423 (VCV000619423.1), dbSNP rs935602068, ClinGen allele CA10602240.
Genomic context (GRCh38, chr15:89,321,161, plus strand): 5'-GCCCCAACCCCGGCTCCTGCTCACCATGCATGCCGGCAAAGTGGGCGTCTCCAAGCACAG[C>T]TGCAATCCACAGCTCTTGGGAGTCCACATCAGCACCCACAAGGGTGTAGCCAGGTGGGGC-3'
Protein context (NP_002684.1, residues 890-910): DVDSQELWIA[Ala900Thr]VLGDAHFAGM